The following is an entry in ClinVar:

ClinVar aggregate classification (germline): Benign (1 of 4 stars; one submission).

Conditions:
Autosomal recessive osteopetrosis 2. Also called: OSTEOPETROSIS, MILD AUTOSOMAL RECESSIVE FORM. Identifiers: Orphanet 667, MedGen C1850126, MONDO:0009816, OMIM 259710.

Allele frequency attached by ClinVar (database versions not stated): gnomAD exomes 0.01326; gnomAD 0.02228 and 0.02400; TOPMed 0.02455; 1000 Genomes Project 0.03634; 1000 Genomes Project 30x 0.03670.
gnomAD v4.1: 3,834 of 168,512 alleles (2.3%); highest among the groups gnomAD compares: African/African-American, 4.8%; 62 homozygotes.

Submission:

Illumina Laboratory Services, Illumina
Classification: Benign for Autosomal recessive osteopetrosis 2. Last evaluated: 2018-01-12. Review status: criteria provided, single submitter. Criteria: ICSL Variant Classification Criteria 13 December 2019. Collection method: clinical testing. Allele origin: germline.
Comment: This variant was observed in the ICSL laboratory as part of a predisposition screen in an ostensibly healthy population. It had not been previously curated by ICSL or reported in the Human Gene Mutation Database (HGMD: prior to June 1st, 2018), and was therefore a candidate for classification through an automated scoring system. Utilizing variant allele frequency, disease prevalence and penetrance estimates, and inheritance mode, an automated score was calculated to assess if this variant is too frequent to cause the disease. Based on the score and internal cut-off values, a variant classified as benign is not then subjected to further curation. The score for this variant resulted in a classification of benign for this disease.

NM_003701.4(TNFSF11):c.*383C>T

Gene: TNFSF11 (TNF superfamily member 11; plus strand). Cytogenetic location: 13q14.11.
Variant type: single nucleotide variant.
Coding change: c.*383C>T on transcript NM_003701.4 (MANE Select); 383 bases downstream of the stop codon, C replaced by T.
Molecular consequence: 3 prime UTR variant.
Genome position (GRCh38, 1-based): chr13:42,607,301, C>T. VCF-style: chr13-42607301-C-T. GRCh37 (hg19) VCF-style: chr13-43181437-C-T.
Other names: c.*383C>T (NM_033012.4).
Identifiers: ClinVar variation 312246 (VCV000312246.5), dbSNP rs9567000, ClinGen allele CA10639611.